The following is an entry in ClinVar:

NM_004260.4(RECQL4):c.823G>C (p.Val275Leu)

Gene: RECQL4 (RecQ like helicase 4; minus strand). Cytogenetic location: 8q24.3.
Variant type: single nucleotide variant.
Coding change: c.823G>C on transcript NM_004260.4 (MANE Select); coding-DNA position 823, G replaced by C.
Protein change: p.Val275Leu; replaces valine 275 with leucine.
Molecular consequence: missense variant.
Genome position (GRCh38, 1-based): chr8:144,516,296, C>G on the plus strand (G>C on the coding strand, the complement: RECQL4 is on the minus strand). VCF-style: chr8-144516296-C-G. GRCh37 (hg19) VCF-style: chr8-145741680-C-G.
Other names: c.823G>C, p.Val275Leu (NM_001413017.1, NM_001413018.1, NM_001413019.1 and 4 more transcripts); c.-249G>C (NM_001413021.1, NM_001413022.1, NM_001413023.1 and 7 more transcripts); c.694G>C, p.Val232Leu (NM_001413025.1); c.-311G>C (NM_001413027.1, NM_001413030.1, NM_001413031.1 and 2 more transcripts); c.472G>C, p.Val158Leu (NM_001413029.1); c.-153G>C (NM_001413034.1); c.-518G>C (NM_001413043.1); c.823G>C (NM_004260.3); short protein forms V275L, V232L, V158L.
Identifiers: ClinVar variation 2171719 (VCV002171719.5), dbSNP rs1814968941, ClinGen allele CA372689073.

ClinVar aggregate classification (germline): Uncertain significance. Review status: criteria provided, multiple submitters, no conflicts (2 of 4 stars). 2 submissions from 2 submitters: Uncertain significance (2). Last evaluated 2025-12-09.

Conditions:
Baller-Gerold syndrome (BGS). Also called: CRANIOSYNOSTOSIS WITH RADIAL DEFECTS. Identifiers: Orphanet 1225, MedGen C0265308, MONDO:0009039, OMIM 218600.
Inborn genetic diseases. Identifiers: MedGen C0950123, MeSH D030342.

Allele frequency attached by ClinVar (database versions not stated): gnomAD exomes below 0.00001; TOPMed below 0.00001.
gnomAD v4.1: 2 of 1,610,564 alleles (0.00012%); highest among the groups gnomAD compares: Non-Finnish European, 0.000085%; no homozygotes.

Submissions (2):

Ambry Genetics
Classification: Uncertain significance for Inborn genetic diseases. Last evaluated: 2025-12-09. Review status: criteria provided, single submitter. Criteria: Ambry Variant Classification Scheme 2023. Collection method: clinical testing. Allele origin: germline.
Comment: The p.V275L variant (also known as c.823G>C), located in coding exon 5 of the RECQL4 gene, results from a G to C substitution at nucleotide position 823. The valine at codon 275 is replaced by leucine, an amino acid with highly similar properties. This amino acid position is conserved. In addition, this alteration is predicted to be tolerated by in silico analysis. Based on the available evidence, the clinical significance of this variant remains unclear.

Labcorp Genetics (formerly Invitae), Labcorp
Classification: Uncertain significance for Baller-Gerold syndrome. Last evaluated: 2022-04-22. Review status: criteria provided, single submitter. Criteria: Invitae Variant Classification Sherloc (09022015). Collection method: clinical testing. Allele origin: germline.
Comment: This variant is not present in population databases (gnomAD no frequency). This variant has not been reported in the literature in individuals affected with RECQL4-related conditions. Experimental studies and prediction algorithms are not available or were not evaluated, and the functional significance of this variant is currently unknown. In summary, the available evidence is currently insufficient to determine the role of this variant in disease. Therefore, it has been classified as a Variant of Uncertain Significance. This sequence change replaces valine, which is neutral and non-polar, with leucine, which is neutral and non-polar, at codon 275 of the RECQL4 protein (p.Val275Leu).